The following is an entry in ClinVar:

NM_012120.3(CD2AP):c.1456T>G (p.Leu486Val)

Gene: CD2AP (CD2 associated protein; plus strand). Cytogenetic location: 6p12.3.
Variant type: single nucleotide variant.
Coding change: c.1456T>G on transcript NM_012120.3 (MANE Select); coding-DNA position 1456, T replaced by G.
Protein change: p.Leu486Val; replaces leucine 486 with valine.
Molecular consequence: missense variant.
Genome position (GRCh38, 1-based): chr6:47,606,203, T>G. VCF-style: chr6-47606203-T-G. GRCh37 (hg19) VCF-style: chr6-47573939-T-G.
Other names: short protein forms L486V.
Identifiers: ClinVar variation 4884953 (VCV004884953.2).
Genomic context (GRCh38, chr6:47,606,203, plus strand): 5'-AATGTTTATTTTTATTTTCTAGATGTTGTAAATTTTGATGACATAGCTTCCTCAGAAAAC[T>G]TGCTTCATCTCACTGCAAATAGACCAAAGATGCCTGGAAGAAGGTTGCCGGGCCGTTTCA-3'
Protein context (NP_036252.1, residues 476-496): NFDDIASSEN[Leu486Val]LHLTANRPKM

ClinVar aggregate classification (germline): Uncertain significance (1 of 4 stars; one submission).

Submission:

Dasa
Classification: Uncertain significance. Last evaluated: 2026-04-16. Review status: criteria provided, single submitter. Criteria: DASA Assertion Criteria. Collection method: clinical testing. Allele origin: germline.
Comment: NM_012120.3(CD2AP):c.1456T>G (p.Leu486Val) is a missense variant that results in the substitution of leucine with valine. This variant is rare in population databases. The currently available literature and clinical evidence are not sufficient to establish a definitive association between this variant and the reported condition. Therefore, this variant is classified as a variant of uncertain significance.